The following is an entry in ClinVar:

ClinVar aggregate classification (germline): Uncertain significance. Review status: criteria provided, multiple submitters, no conflicts (2 of 4 stars). 2 submissions from 2 submitters: Uncertain significance (2). Last evaluated 2025-09-01.

Conditions:
Aicardi-Goutieres syndrome 7 (AGS7). Identifiers: Orphanet 51, MedGen C3888244, MONDO:0014367, OMIM 615846.
Singleton-Merten syndrome 1 (SGMRT1). Also called: Widened medullary cavities of bone, aortic calcification, abnormal dentition, and muscular weakness; Syndrome of widened medullary cavities of the metacarpals and phalanges, aortic calcification and abnormal dentition. Identifiers: Orphanet 85191, MedGen C4225427, MONDO:0024535, OMIM 182250.
Inborn genetic diseases. Identifiers: MedGen C0950123, MeSH D030342.

gnomAD v4.1: 3 of 1,613,936 alleles (0.00019%); highest among the groups gnomAD compares: Non-Finnish European, 0.00025%; no homozygotes.

Submissions (2):

Ambry Genetics
Classification: Uncertain significance for Inborn genetic diseases. Last evaluated: 2025-09-01. Review status: criteria provided, single submitter. Criteria: Ambry Variant Classification Scheme 2023. Collection method: clinical testing. Allele origin: germline.

Labcorp Genetics (formerly Invitae), Labcorp
Classification: Uncertain significance for Aicardi-Goutieres syndrome 7; Singleton-Merten syndrome 1. Last evaluated: 2022-10-21. Review status: criteria provided, single submitter. Criteria: Invitae Variant Classification Sherloc (09022015). Collection method: clinical testing. Allele origin: germline.
Comment: Algorithms developed to predict the effect of missense changes on protein structure and function output the following: SIFT: "Deleterious"; PolyPhen-2: "Benign"; Align-GVGD: "Class C0". The glutamic acid amino acid residue is found in multiple mammalian species, which suggests that this missense change does not adversely affect protein function. In summary, the available evidence is currently insufficient to determine the role of this variant in disease. Therefore, it has been classified as a Variant of Uncertain Significance. This variant has not been reported in the literature in individuals affected with IFIH1-related conditions. This variant is not present in population databases (gnomAD no frequency). This sequence change replaces aspartic acid, which is acidic and polar, with glutamic acid, which is acidic and polar, at codon 953 of the IFIH1 protein (p.Asp953Glu).

NM_022168.4(IFIH1):c.2859C>G (p.Asp953Glu)

Gene: IFIH1 (interferon induced with helicase C domain 1; minus strand). Cytogenetic location: 2q24.2.
Variant type: single nucleotide variant.
Coding change: c.2859C>G on transcript NM_022168.4 (MANE Select); coding-DNA position 2859, C replaced by G.
Protein change: p.Asp953Glu; replaces aspartic acid 953 with glutamic acid.
Molecular consequence: missense variant.
Genome position (GRCh38, 1-based): chr2:162,267,518, G>C on the plus strand (C>G on the coding strand, the complement: IFIH1 is on the minus strand). VCF-style: chr2-162267518-G-C. GRCh37 (hg19) VCF-style: chr2-163124028-G-C.
Other names: c.2859C>G (NM_022168.2); short protein forms D953E.
Identifiers: ClinVar variation 2084120 (VCV002084120.5), dbSNP rs1690949302, ClinGen allele CA348989753.